The following is an entry in ClinVar:

NM_006947.4(SRP72):c.488A>G (p.Lys163Arg)

Gene: SRP72 (signal recognition particle 72; plus strand). Cytogenetic location: 4q12.
Variant type: single nucleotide variant.
Coding change: c.488A>G on transcript NM_006947.4 (MANE Select); coding-DNA position 488, A replaced by G.
Protein change: p.Lys163Arg; replaces lysine 163 with arginine.
Molecular consequence: missense variant. On other transcripts: non-coding transcript variant (1).
Genome position (GRCh38, 1-based): chr4:56,474,187, A>G. VCF-style: chr4-56474187-A-G. GRCh37 (hg19) VCF-style: chr4-57340353-A-G.
Other names: c.488A>G, p.Lys163Arg (NM_001267722.2); c.488A>G (NM_006947.3); short protein forms K163R.
Identifiers: ClinVar variation 3685262 (VCV003685262.3).

ClinVar aggregate classification (germline): Uncertain significance. Review status: criteria provided, multiple submitters, no conflicts (2 of 4 stars). 2 submissions from 2 submitters: Uncertain significance (2). Last evaluated 2025-02-15.

Submissions (2):

Ambry Genetics
Classification: Uncertain significance. Last evaluated: 2025-02-15. Review status: criteria provided, single submitter. Criteria: Ambry Variant Classification Scheme 2023. Collection method: clinical testing. Allele origin: germline.
Comment: The p.K163R variant (also known as c.488A>G), located in coding exon 4 of the SRP72 gene, results from an A to G substitution at nucleotide position 488. The lysine at codon 163 is replaced by arginine, an amino acid with highly similar properties. This amino acid position is conserved. In addition, this alteration is predicted to be tolerated by in silico analysis. Based on the available evidence, the clinical significance of this variant remains unclear.

Labcorp Genetics (formerly Invitae), Labcorp
Classification: Uncertain significance. Last evaluated: 2024-10-29. Review status: criteria provided, single submitter. Criteria: Invitae Variant Classification Sherloc (09022015). Collection method: clinical testing. Allele origin: germline.
Comment: This sequence change replaces lysine, which is basic and polar, with arginine, which is basic and polar, at codon 163 of the SRP72 protein (p.Lys163Arg). This variant is not present in population databases (gnomAD no frequency). This variant has not been reported in the literature in individuals affected with SRP72-related conditions. Invitae Evidence Modeling of protein sequence and biophysical properties (such as structural, functional, and spatial information, amino acid conservation, physicochemical variation, residue mobility, and thermodynamic stability) indicates that this missense variant is not expected to disrupt SRP72 protein function with a negative predictive value of 80%. In summary, the available evidence is currently insufficient to determine the role of this variant in disease. Therefore, it has been classified as a Variant of Uncertain Significance.